The following is an entry in ClinVar:

ClinVar aggregate classification (germline): Uncertain significance. Review status: criteria provided, multiple submitters, no conflicts (2 of 4 stars). 2 submissions from 2 submitters: Uncertain significance (2). Last evaluated 2025-09-02.

Conditions:
Inborn genetic diseases. Identifiers: MedGen C0950123, MeSH D030342.

Allele frequency attached by ClinVar (database versions not stated): gnomAD exomes below 0.00001.
gnomAD v4.1: 7 of 1,587,824 alleles (0.00044%); highest among the groups gnomAD compares: Admixed American, 0.0017%; no homozygotes.

Submissions (2):

Labcorp Genetics (formerly Invitae), Labcorp
Classification: Uncertain significance. Last evaluated: 2025-09-02. Review status: criteria provided, single submitter. Criteria: Invitae Variant Classification Sherloc (09022015). Collection method: clinical testing. Allele origin: germline.
Comment: This sequence change replaces arginine, which is basic and polar, with glutamine, which is neutral and polar, at codon 1355 of the WHSC1 protein (p.Arg1355Gln). This variant is present in population databases (no rsID available, gnomAD 0.007%). This variant has not been reported in the literature in individuals affected with WHSC1-related conditions. ClinVar contains an entry for this variant (Variation ID: 2977278). Experimental studies and prediction algorithms are not available or were not evaluated, and the functional significance of this variant is currently unknown. In summary, the available evidence is currently insufficient to determine the role of this variant in disease. Therefore, it has been classified as a Variant of Uncertain Significance.

Ambry Genetics
Classification: Uncertain significance for Inborn genetic diseases. Last evaluated: 2025-08-31. Review status: criteria provided, single submitter. Criteria: Ambry Variant Classification Scheme 2023. Collection method: clinical testing. Allele origin: germline.

NM_001042424.3(NSD2):c.4064G>A (p.Arg1355Gln)

Gene: NSD2 (nuclear receptor binding SET domain protein 2; plus strand). Cytogenetic location: 4p16.3.
Variant type: single nucleotide variant.
Coding change: c.4064G>A on transcript NM_001042424.3 (MANE Select); coding-DNA position 4064, G replaced by A.
Protein change: p.Arg1355Gln; replaces arginine 1355 with glutamine.
Molecular consequence: missense variant.
Genome position (GRCh38, 1-based): chr4:1,978,875, G>A. VCF-style: chr4-1978875-G-A. GRCh37 (hg19) VCF-style: chr4-1980602-G-A.
Other names: c.4064G>A, p.Arg1355Gln (NM_133330.3, NM_133331.3, NM_133335.4); c.4064G>A (NM_133330.2); short protein forms R1355Q.
Identifiers: ClinVar variation 2977278 (VCV002977278.4), dbSNP rs1280034307, ClinGen allele CA356007069.